The following is an entry in ClinVar:

ClinVar aggregate classification (germline): Likely pathogenic (1 of 4 stars; one submission).

Conditions:
Deficiency of UDPglucose-hexose-1-phosphate uridylyltransferase. Also called: Transferase Deficiency Galactosemia; GALACTOSE-1-PHOSPHATE URIDYLYLTRANSFERASE DEFICIENCY; GALACTOSEMIA I; GALT deficiency; Galactosemia, classic. Identifiers: Orphanet 352, Orphanet 79239, MedGen C0268151, MONDO:0009258, OMIM 230400.

gnomAD v4.1: 1 of 1,613,524 alleles (0.000062%); highest among the groups gnomAD compares: Non-Finnish European, 0.000085%; no homozygotes.

Submission:

Women's Health and Genetics/Laboratory Corporation of America, LabCorp
Classification: Likely pathogenic for Deficiency of UDPglucose-hexose-1-phosphate uridylyltransferase. Last evaluated: 2025-02-07. Review status: criteria provided, single submitter. Criteria: LabCorp Variant Classification Summary - May 2015. Collection method: clinical testing. Allele origin: germline.
Comment: Variant summary: GALT c.82G>T (p.Asp28Tyr) results in a non-conservative amino acid change in the encoded protein sequence. Five of five in-silico tools predict a damaging effect of the variant on protein function. Several computational tools predict a significant impact on normal splicing: Two predict the variant abolishes a 5' splicing donor site. Two predict the variant weakens a 5' donor site. However, these predictions have yet to be confirmed by functional studies. The variant was absent in 249248 control chromosomes. c.82G>T has been reported in the literature in the compound heterozygous state in individual(s) affected with Galactosemia (e.g. Greber-Platzer_1997, Schadewaldt_2014). These data indicate that the variant may be associated with disease. At least one publication reports experimental evidence evaluating an impact on protein function. The most pronounced variant effect results in approximately 14% of WT activity in a yeast model expression system (McCorvie_2013). No submitters have cited clinical-significance assessments for this variant to ClinVar. The following publications have been ascertained in the context of this evaluation (PMID: 9222760, 23583749, 25268296). Based on the evidence outlined above, the variant was classified as likely pathogenic.

Literature cited by the submitters: PubMed 9222760; PubMed 23583749; PubMed 25268296.

NM_000155.4(GALT):c.82G>T (p.Asp28Tyr)

Gene: GALT (galactose-1-phosphate uridylyltransferase; plus strand). Cytogenetic location: 9p13.3.
Variant type: single nucleotide variant.
Coding change: c.82G>T on transcript NM_000155.4 (MANE Select); coding-DNA position 82, G replaced by T.
Protein change: p.Asp28Tyr; replaces aspartic acid 28 with tyrosine.
Molecular consequence: missense variant. On other transcripts: 5 prime UTR variant (1).
Genome position (GRCh38, 1-based): chr9:34,646,786, G>T. VCF-style: chr9-34646786-G-T. GRCh37 (hg19) VCF-style: chr9-34646783-G-T.
Other names: c.-121G>T (NM_001258332.2).
Identifiers: ClinVar variation 3768685 (VCV003768685.1), dbSNP rs111033636.
Genomic context (GRCh38, chr9:34,646,786, plus strand): 5'-CCTCAGCAACGCCAGCAGGCGTCAGAGGCGGACGCCGCAGCAGCAACCTTCCGGGCAAAC[G>T]GTAACTGCACCGCGGCAGGGACTCGCTGGGGCGCGGAGCCGAGCCCTCCCCTTCCTTAGG-3'
Protein context (NP_000146.2, residues 18-38): DAAAATFRAN[Asp28Tyr]HQHIRYNPLQ